The following is an entry in ClinVar:

NM_206926.2(SELENON):c.775C>T (p.His259Tyr)

Gene: SELENON (selenoprotein N; plus strand). Cytogenetic location: 1p36.11.
Variant type: single nucleotide variant.
Coding change: c.775C>T on transcript NM_206926.2 (MANE Select); coding-DNA position 775, C replaced by T.
Protein change: p.His259Tyr; replaces histidine 259 with tyrosine.
Molecular consequence: missense variant.
Genome position (GRCh38, 1-based): chr1:25,809,687, C>T. VCF-style: chr1-25809687-C-T. GRCh37 (hg19) VCF-style: chr1-26136178-C-T.
Other names: NM_206926.2:c.775C>T; c.877C>T, p.His293Tyr (NM_020451.3); short protein forms H293Y, H259Y.
Identifiers: ClinVar variation 2412657 (VCV002412657.1), dbSNP rs1308664983, ClinGen allele CA339114437.

ClinVar aggregate classification (germline): Uncertain significance (1 of 4 stars; one submission).

Conditions:
Eichsfeld type congenital muscular dystrophy (CMYO3). Also called: MYOPATHY, SEPN1-RELATED; SELENON-related myopathy; Congenital myopathy 3 with rigid spine; Rigid spine muscular dystrophy 1. Identifiers: MedGen C0410180, MONDO:0100100, OMIM 602771.

Allele frequency attached by ClinVar (database versions not stated): gnomAD 0.00001.
gnomAD v4.1: 1 of 1,613,816 alleles (0.000062%); highest among the groups gnomAD compares: African/African-American, 0.0013%; no homozygotes.

Submission:

Broad Center for Mendelian Genomics, Broad Institute of MIT and Harvard
Classification: Uncertain significance. Last evaluated: 2023-01-24. Review status: criteria provided, single submitter. Criteria: ACMG Guidelines, 2015. Collection method: curation. Allele origin: germline. Inheritance: Autosomal recessive inheritance.
Comment: The p.His293Tyr variant in SELENON has been reported in 1 individual in the homozygous state with SELENON-RM (PMID: 33333461), and has been identified in 0.01% (1/8714) of African/African American chromosomes by the Genome Aggregation Database (gnomAD; dbSNP ID: rs1308664983). Although this variant has been seen in the general population in a heterozygous state, its frequency is not high enough to rule out a pathogenic role. Computational prediction tools and conservation analyses suggest that this variant may impact the protein, though this information is not predictive enough to determine pathogenicity. In summary, the clinical significance of the p.His293Tyr variant is uncertain. ACMG/AMP Criteria applied: PP3, PM3_supporting (Richards 2015).